The following is an entry in ClinVar:

ClinVar aggregate classification (germline): Uncertain significance (1 of 4 stars; one submission).

Conditions:
Hereditary nonpolyposis colorectal neoplasms. Identifiers: MedGen C0009405, MeSH D003123.

Submission:

Labcorp Genetics (formerly Invitae), Labcorp
Classification: Uncertain significance for Hereditary nonpolyposis colorectal neoplasms. Last evaluated: 2021-02-01. Review status: criteria provided, single submitter. Criteria: Invitae Variant Classification Sherloc (09022015). Collection method: clinical testing. Allele origin: germline.
Comment: In summary, the available evidence is currently insufficient to determine the role of this variant in disease. Therefore, it has been classified as a Variant of Uncertain Significance. Advanced modeling of protein sequence and biophysical properties (such as structural, functional, and spatial information, amino acid conservation, physicochemical variation, residue mobility, and thermodynamic stability) performed at Invitae indicates that this missense variant is not expected to disrupt PMS2 protein function. This variant has not been reported in the literature in individuals with PMS2-related conditions. This variant is not present in population databases (ExAC no frequency). This sequence change replaces aspartic acid with glycine at codon 366 of the PMS2 protein (p.Asp366Gly). The aspartic acid residue is weakly conserved and there is a moderate physicochemical difference between aspartic acid and glycine.

NM_000535.7(PMS2):c.1097A>G (p.Asp366Gly)

Gene: PMS2 (PMS1 homolog 2, mismatch repair system component; minus strand). Cytogenetic location: 7p22.1.
Variant type: single nucleotide variant.
Coding change: c.1097A>G on transcript NM_000535.7 (MANE Select); coding-DNA position 1097, A replaced by G.
Protein change: p.Asp366Gly; replaces aspartic acid 366 with glycine.
Molecular consequence: missense variant. On other transcripts: non-coding transcript variant (1), intron variant (2).
Genome position (GRCh38, 1-based): chr7:5,989,847, T>C on the plus strand (A>G on the coding strand, the complement: PMS2 is on the minus strand). VCF-style: chr7-5989847-T-C. GRCh37 (hg19) VCF-style: chr7-6029478-T-C.
Other names: c.692A>G, p.Asp231Gly (NM_001322003.2, NM_001322004.2, NM_001322005.2 and 1 more transcripts); c.779A>G, p.Asp260Gly (NM_001322007.2, NM_001322008.2); c.164A>G, p.Asp55Gly (NM_001322011.2, NM_001322012.2); c.524A>G, p.Asp175Gly (NM_001322013.2); c.1097A>G, p.Asp366Gly (NM_001322014.2); c.788A>G, p.Asp263Gly (NM_001322015.2); c.583+2126A>G (NM_001322010.2); c.988+2126A>G (NM_001322006.2); short protein forms D175G, D55G, D366G, D231G, D260G, D263G.
Identifiers: ClinVar variation 1503492 (VCV001503492.8), dbSNP rs1357791251, ClinGen allele CA366742814.
Genomic context (GRCh38, chr7:5,989,847, plus strand): 5'-GTATTTTTCTTACCTTCAACATCCAGCAGTGGCTGCTGACTGACATTTAGCTTGTTGACA[T>C]CACTATCAAACATTCCTATCAAAGAGGTCTTTAAAACTGCCAACAAAAGCTTTTCCTCTT-3'
Protein context (NP_000526.2, residues 356-376): KTSLIGMFDS[Asp366Gly]VNKLNVSQQP